The following is an entry in ClinVar:

NM_006258.4(PRKG1):c.1325C>T (p.Thr442Ile)

Gene: PRKG1 (protein kinase cGMP-dependent 1; plus strand). Cytogenetic location: 10q21.1.
Variant type: single nucleotide variant.
Coding change: c.1325C>T on transcript NM_006258.4 (MANE Select); coding-DNA position 1325, C replaced by T.
Protein change: p.Thr442Ile; replaces threonine 442 with isoleucine.
Molecular consequence: missense variant.
Genome position (GRCh38, 1-based): chr10:52,272,403, C>T. VCF-style: chr10-52272403-C-T. GRCh37 (hg19) VCF-style: chr10-54032163-C-T.
Other names: c.1280C>T, p.Thr427Ile (NM_001098512.3); c.116C>T, p.Thr39Ile (NM_001374781.1); short protein forms T39I, T427I, T442I.
Identifiers: ClinVar variation 1769992 (VCV001769992.2), dbSNP rs2492833750, ClinGen allele CA376535547.

ClinVar aggregate classification (germline): Uncertain significance (1 of 4 stars; one submission).

Conditions:
Familial thoracic aortic aneurysm and aortic dissection (TAAD). Also called: Thoracic aortic aneurysms and dissections. Identifiers: Orphanet 91387, MedGen C4707243, MONDO:0019625.

Submission:

Ambry Genetics
Classification: Uncertain significance for Familial thoracic aortic aneurysm and aortic dissection. Last evaluated: 2022-09-24. Review status: criteria provided, single submitter. Criteria: Ambry Variant Classification Scheme 2023. Collection method: clinical testing. Allele origin: germline.
Comment: The p.T442I variant (also known as c.1325C>T), located in coding exon 12 of the PRKG1 gene, results from a C to T substitution at nucleotide position 1325. The threonine at codon 442 is replaced by isoleucine, an amino acid with similar properties. This amino acid position is conserved. In addition, this alteration is predicted to be deleterious by in silico analysis. Since supporting evidence is limited at this time, the clinical significance of this alteration remains unclear.